The following is an entry in ClinVar:

NM_001365276.2(TNXB):c.6799G>A (p.Gly2267Ser)

Gene: TNXB (tenascin XB; minus strand). Cytogenetic location: 6p21.33.
Variant type: single nucleotide variant.
Coding change: c.6799G>A on transcript NM_001365276.2 (MANE Select); coding-DNA position 6799, G replaced by A.
Protein change: p.Gly2267Ser; replaces glycine 2267 with serine.
Molecular consequence: missense variant.
Genome position (GRCh38, 1-based): chr6:32,064,863, C>T on the plus strand (G>A on the coding strand, the complement: TNXB is on the minus strand). VCF-style: chr6-32064863-C-T. GRCh37 (hg19) VCF-style: chr6-32032640-C-T.
Other names: c.6799G>A, p.Gly2267Ser (NM_019105.8); short protein forms G2267S.
Identifiers: ClinVar variation 2562152 (VCV002562152.3), dbSNP rs1007048716, ClinGen allele CA136910093.

ClinVar aggregate classification (germline): Uncertain significance (1 of 4 stars; one submission).

Conditions:
Cardiovascular phenotype. Identifiers: MedGen CN230736.

Allele frequency attached by ClinVar (database versions not stated): gnomAD exomes 0.00001; TOPMed 0.00003; gnomAD 0.00007.
gnomAD v4.1: 19 of 1,611,582 alleles (0.0012%); highest among the groups gnomAD compares: African/African-American, 0.019%; no homozygotes.

Submission:

Ambry Genetics
Classification: Uncertain significance for Cardiovascular phenotype. Last evaluated: 2025-05-03. Review status: criteria provided, single submitter. Criteria: Ambry Variant Classification Scheme 2023. Collection method: clinical testing. Allele origin: germline.
Comment: The p.G2267S variant (also known as c.6799G>A), located in coding exon 18 of the TNXB gene, results from a G to A substitution at nucleotide position 6799. The glycine at codon 2267 is replaced by serine, an amino acid with similar properties. This amino acid position is conserved. In addition, this alteration is predicted to be tolerated by in silico analysis. Since supporting evidence is limited at this time, the clinical significance of this alteration remains unclear.